The following is an entry in ClinVar:

NM_001077653.2(TBX20):c.982A>G (p.Ser328Gly)

Gene: TBX20 (T-box transcription factor 20; minus strand). Cytogenetic location: 7p14.2.
Variant type: single nucleotide variant.
Coding change: c.982A>G on transcript NM_001077653.2 (MANE Select); coding-DNA position 982, A replaced by G.
Protein change: p.Ser328Gly; replaces serine 328 with glycine.
Molecular consequence: missense variant.
Genome position (GRCh38, 1-based): chr7:35,204,491, T>C on the plus strand (A>G on the coding strand, the complement: TBX20 is on the minus strand). VCF-style: chr7-35204491-T-C. GRCh37 (hg19) VCF-style: chr7-35244103-T-C.
Other names: short protein forms S328G.
Identifiers: ClinVar variation 1768334 (VCV001768334.5), dbSNP rs1175252959, ClinGen allele CA367263475.

ClinVar aggregate classification (germline): Uncertain significance. Review status: criteria provided, multiple submitters, no conflicts (2 of 4 stars). 2 submissions from 2 submitters: Uncertain significance (2). Last evaluated 2023-12-27.

Conditions:
Cardiovascular phenotype. Identifiers: MedGen CN230736.

Allele frequency attached by ClinVar (database versions not stated): gnomAD exomes below 0.00001; gnomAD 0.00001; TOPMed 0.00001.
gnomAD v4.1: 7 of 1,613,368 alleles (0.00043%); highest among the groups gnomAD compares: Non-Finnish European, 0.00051%; no homozygotes.

Submissions (2):

Labcorp Genetics (formerly Invitae), Labcorp
Classification: Uncertain significance. Last evaluated: 2023-12-27. Review status: criteria provided, single submitter. Criteria: Invitae Variant Classification Sherloc (09022015). Collection method: clinical testing. Allele origin: germline.
Comment: This sequence change replaces serine, which is neutral and polar, with glycine, which is neutral and non-polar, at codon 328 of the TBX20 protein (p.Ser328Gly). This variant is not present in population databases (gnomAD no frequency). This variant has not been reported in the literature in individuals affected with TBX20-related conditions. ClinVar contains an entry for this variant (Variation ID: 1768334). Advanced modeling of protein sequence and biophysical properties (such as structural, functional, and spatial information, amino acid conservation, physicochemical variation, residue mobility, and thermodynamic stability) performed at Invitae indicates that this missense variant is not expected to disrupt TBX20 protein function with a negative predictive value of 80%. In summary, the available evidence is currently insufficient to determine the role of this variant in disease. Therefore, it has been classified as a Variant of Uncertain Significance.

Ambry Genetics
Classification: Uncertain significance for Cardiovascular phenotype. Last evaluated: 2019-10-22. Review status: criteria provided, single submitter. Criteria: Ambry Variant Classification Scheme 2023. Collection method: clinical testing. Allele origin: germline.
Comment: The p.S328G variant (also known as c.982A>G), located in coding exon 7 of the TBX20 gene, results from an A to G substitution at nucleotide position 982. The serine at codon 328 is replaced by glycine, an amino acid with similar properties. This amino acid position is poorly conserved in available vertebrate species. In addition, this alteration is predicted to be tolerated by in silico analysis. Since supporting evidence is limited at this time, the clinical significance of this alteration remains unclear.